The following is an entry in ClinVar:

ClinVar aggregate classification (germline): Uncertain significance (1 of 4 stars; one submission).

Submission:

Labcorp Genetics (formerly Invitae), Labcorp
Classification: Uncertain significance. Last evaluated: 2024-09-14. Review status: criteria provided, single submitter. Criteria: Invitae Variant Classification Sherloc (09022015). Collection method: clinical testing. Allele origin: germline.
Comment: This sequence change replaces arginine, which is basic and polar, with threonine, which is neutral and polar, at codon 156 of the ACTN1 protein (p.Arg156Thr). This variant is not present in population databases (gnomAD no frequency). This variant has not been reported in the literature in individuals affected with ACTN1-related conditions. Invitae Evidence Modeling of protein sequence and biophysical properties (such as structural, functional, and spatial information, amino acid conservation, physicochemical variation, residue mobility, and thermodynamic stability) indicates that this missense variant is expected to disrupt ACTN1 protein function with a positive predictive value of 80%. In summary, the available evidence is currently insufficient to determine the role of this variant in disease. Therefore, it has been classified as a Variant of Uncertain Significance.

NM_001130004.2(ACTN1):c.467G>C (p.Arg156Thr)

Gene: ACTN1 (actinin alpha 1; minus strand). Cytogenetic location: 14q24.1.
Variant type: single nucleotide variant.
Coding change: c.467G>C on transcript NM_001130004.2 (MANE Select); coding-DNA position 467, G replaced by C.
Protein change: p.Arg156Thr; replaces arginine 156 with threonine.
Molecular consequence: missense variant. On other transcripts: 5 prime UTR variant (1).
Genome position (GRCh38, 1-based): chr14:68,910,003, C>G on the plus strand (G>C on the coding strand, the complement: ACTN1 is on the minus strand). VCF-style: chr14-68910003-C-G. GRCh37 (hg19) VCF-style: chr14-69376720-C-G.
Other names: c.467G>C, p.Arg156Thr (NM_001102.4, NM_001130005.2, NM_001411035.1 and 9 more transcripts); c.272G>C, p.Arg91Thr (NM_001411036.1, NM_001424026.1, NM_001424028.1); c.-444G>C (NM_001424030.1); c.593G>C, p.Arg198Thr (NM_001424013.1); c.554G>C, p.Arg185Thr (NM_001424015.1); c.464G>C, p.Arg155Thr (NM_001424017.1); c.404G>C, p.Arg135Thr (NM_001424018.1, NM_001424020.1, NM_001424022.1); c.398G>C, p.Arg133Thr (NM_001424021.1); short protein forms R135T, R91T, R133T, R156T, R198T, R155T, R185T.
Identifiers: ClinVar variation 3705491 (VCV003705491.2).
Genomic context (GRCh38, chr14:68,910,003, plus strand): 5'-CCCAGCACTCACCTTATGTGGAAGTTCTGGATGTTGACATTTTTGTAAGGGGCTGTCTTT[C>G]TCTGACACCACAGGAGCAGCCCTTCCTTGGCTGAAGTCTCTATGGGGAAGGGGATGGGCA-3'
Protein context (NP_001123476.1, residues 146-166): AKEGLLLWCQ[Arg156Thr]KTAPYKNVNI